The following is an entry in ClinVar:

NM_016180.5(SLC45A2):c.1121del (p.Leu374fs)

Gene: SLC45A2 (solute carrier family 45 member 2; minus strand). Cytogenetic location: 5p13.2.
Variant type: Deletion.
Coding change: c.1121del on transcript NM_016180.5 (MANE Select); coding-DNA position 1121, one base deleted (T; older notation c.1121delT).
Protein change: p.Leu374fs; shifts the reading frame from leucine 374.
Molecular consequence: frameshift variant. On other transcripts: 3 prime UTR variant (1).
Genome position (GRCh38, 1-based): chr5:33,951,589, A deleted on the plus strand (T on the coding strand, the reverse complement: SLC45A2 is on the minus strand); the first of 2 consecutive A bases (chr5:33,951,589-33,951,590); deleting either gives the same sequence. VCF-style (leftmost placement, unchanged base first): chr5-33951588-CA-C. GRCh37 (hg19) VCF-style: chr5-33951693-CA-C.
Other names: c.1121del, p.Leu374fs (NM_001012509.4); c.*63del (NM_001297417.4); short protein forms L374fs.
Identifiers: ClinVar variation 4506 (VCV000004506.5), dbSNP rs730880271, ClinGen allele CA253183.

ClinVar aggregate classification (germline): Pathogenic. Review status: criteria provided, single submitter (1 of 4 stars). 2 submissions from 2 submitters: Pathogenic (1). 1 of the submissions does not count toward it. Last evaluated 2025-06-12.

Conditions:
Oculocutaneous albinism type 4 (OCA4). Also called: Albinism, oculocutaneous, type IV. Identifiers: Orphanet 79435, MedGen C1847836, MONDO:0011683, OMIM 606574.

Submissions (2):

Labcorp Genetics (formerly Invitae), Labcorp
Classification: Pathogenic. Last evaluated: 2025-06-12. Review status: criteria provided, single submitter. Criteria: Invitae Variant Classification Sherloc (09022015). Collection method: clinical testing. Allele origin: germline.
Comment: This sequence change creates a premature translational stop signal (p.Phe374Serfs*24) in the SLC45A2 gene. It is expected to result in an absent or disrupted protein product. Loss-of-function variants in SLC45A2 are known to be pathogenic (PMID: 21458243, 26573111). This variant is not present in population databases (gnomAD no frequency). This premature translational stop signal has been observed in individual(s) with oculocutaneous albinism (PMID: 16868655). It has also been observed to segregate with disease in related individuals. ClinVar contains an entry for this variant (Variation ID: 4506). For these reasons, this variant has been classified as Pathogenic.

OMIM
Classification: Pathogenic for OCULOCUTANEOUS ALBINISM, TYPE IV. Last evaluated: 2006-01-01. Review status: no assertion criteria provided. Collection method: literature only. Allele origin: germline. Not counted in ClinVar's aggregate classification.

Literature cited by the submitters: PubMed 21458243 (cited by Labcorp Genetics (formerly Invitae), Labcorp); PubMed 26573111 (cited by Labcorp Genetics (formerly Invitae), Labcorp); PubMed 16868655 (cited by Labcorp Genetics (formerly Invitae), Labcorp and OMIM); PubMed 14070830 (cited by OMIM).